The following is an entry in ClinVar:

NM_005104.4(BRD2):c.1191C>T (p.Ser397=)

Gene: BRD2 (bromodomain containing 2; plus strand). Cytogenetic location: 6p21.32.
Variant type: single nucleotide variant.
Coding change: c.1191C>T on transcript NM_005104.4 (MANE Select); coding-DNA position 1191, C replaced by T.
Protein change: p.Ser397=; no amino-acid change (serine 397 retained).
Molecular consequence: synonymous variant.
Genome position (GRCh38, 1-based): chr6:32,976,927, C>T. VCF-style: chr6-32976927-C-T. GRCh37 (hg19) VCF-style: chr6-32944704-C-T.
Other names: c.1191C>T, p.Ser397= (NM_001199455.1, NM_001113182.3); c.1050C>T, p.Ser350= (NM_001199456.2); c.831C>T, p.Ser277= (NM_001291986.2).
Identifiers: ClinVar variation 738470 (VCV000738470.27), dbSNP rs192648574, ClinGen allele CA3748427.

ClinVar aggregate classification (germline): Benign/Likely benign. Review status: criteria provided, multiple submitters, no conflicts (2 of 4 stars). 2 submissions from 2 submitters: Benign (1); Likely benign (1). Last evaluated 2023-03-01.

Allele frequency attached by ClinVar (database versions not stated): gnomAD exomes 0.00009 and 0.00031; ExAC 0.00043; ESP Exome Variant Server 0.00084; 1000 Genomes Project 0.00100; gnomAD 0.00123 and 0.00135; TOPMed 0.00127; 1000 Genomes Project 30x 0.00156.
gnomAD v4.1: 322 of 1,609,750 alleles (0.02%); highest among the groups gnomAD compares: African/African-American, 0.4%; 3 homozygotes.

Submissions (2):

CeGaT Center for Human Genetics Tuebingen
Classification: Likely benign. Last evaluated: 2023-03-01. Review status: criteria provided, single submitter. Criteria: CeGaT Center For Human Genetics Tuebingen Variant Classification Criteria Version 2. Collection method: clinical testing. Allele origin: germline. Affected: yes. Observed: 2 variant alleles.
Comment: BRD2: BP4, BP7

Labcorp Genetics (formerly Invitae), Labcorp
Classification: Benign. Last evaluated: 2018-07-19. Review status: criteria provided, single submitter. Criteria: Invitae Variant Classification Sherloc (09022015). Collection method: clinical testing. Allele origin: germline.